The following is an entry in ClinVar:

ClinVar aggregate classification (germline): Likely benign (1 of 4 stars; one submission).

Allele frequency attached by ClinVar (database versions not stated): TOPMed below 0.00001; gnomAD 0.00001; gnomAD exomes 0.00004; ExAC 0.00006.
gnomAD v4.1: 18 of 1,594,028 alleles (0.0011%); highest among the groups gnomAD compares: South Asian, 0.0057%; no homozygotes.

Submission:

GeneDx
Classification: Likely benign. Last evaluated: 2020-05-28. Review status: criteria provided, single submitter. Criteria: GeneDx Variant Classification Process June 2021. Collection method: clinical testing. Allele origin: germline. Affected: yes.
Comment: In silico analysis supports that this missense variant has a deleterious effect on protein structure/function; Missense variants in this gene are often considered pathogenic (Stenson et al., 2014); Has not been previously published as pathogenic or benign to our knowledge; This substitution is predicted to be in the cytoplasmic loop between the second and third homologous domains

NM_001330260.2(SCN8A):c.3350C>T (p.Ser1117Leu)

Gene: SCN8A (sodium voltage-gated channel alpha subunit 8; plus strand). Cytogenetic location: 12q13.13.
Variant type: single nucleotide variant.
Coding change: c.3350C>T on transcript NM_001330260.2 (MANE Select); coding-DNA position 3350, C replaced by T.
Protein change: p.Ser1117Leu; replaces serine 1117 with leucine.
Molecular consequence: missense variant.
Genome position (GRCh38, 1-based): chr12:51,769,313, C>T. VCF-style: chr12-51769313-C-T. GRCh37 (hg19) VCF-style: chr12-52163097-C-T.
Other names: c.3350C>T, p.Ser1117Leu (NM_001177984.3, NM_001369788.1, NM_014191.4); short protein forms S1117L.
Identifiers: ClinVar variation 1208608 (VCV001208608.3), dbSNP rs770263378, ClinGen allele CA6571580.